The following is an entry in ClinVar:

ClinVar aggregate classification (germline): Pathogenic (1 of 4 stars; one submission).

Conditions:
Nemaline myopathy 2 (NEM2). Also called: Nemaline myopathy 2, autosomal recessive. Identifiers: MedGen C1850569, MONDO:0009725, OMIM 256030.

Submission:

Labcorp Genetics (formerly Invitae), Labcorp
Classification: Pathogenic for Nemaline myopathy 2. Last evaluated: 2026-01-11. Review status: criteria provided, single submitter. Criteria: Invitae Variant Classification Sherloc (09022015). Collection method: clinical testing. Allele origin: germline.
Comment: This sequence change creates a premature translational stop signal (p.Ala154Glnfs*74) in the NEB gene. It is expected to result in an absent or disrupted protein product. Loss-of-function variants in NEB are known to be pathogenic (PMID: 25205138). This variant is not present in population databases (gnomAD no frequency). This variant has not been reported in the literature in individuals affected with NEB-related conditions. For these reasons, this variant has been classified as Pathogenic.

Literature cited by the submitters: PubMed 25205138.

NM_001164508.2(NEB):c.459del (p.Ala154fs)

Gene: NEB (nebulin; minus strand). Cytogenetic location: 2q23.3.
Variant type: Deletion.
Coding change: c.459del on transcript NM_001164508.2 (MANE Select); coding-DNA position 459, one base deleted (A; older notation c.459delA).
Protein change: p.Ala154fs; shifts the reading frame from alanine 154.
Molecular consequence: frameshift variant.
Genome position (GRCh38, 1-based): chr2:151,724,905, T deleted on the plus strand (A on the coding strand, the reverse complement: NEB is on the minus strand); the first of 5 consecutive T bases (chr2:151,724,905-151,724,909); deleting any one gives the same sequence. VCF-style (leftmost placement, unchanged base first): chr2-151724904-CT-C. GRCh37 (hg19) VCF-style: chr2-152581418-CT-C.
Other names: c.459del, p.Ala154fs (NM_001164507.2, NM_001271208.2, NM_004543.5); short protein forms A154fs.
Identifiers: ClinVar variation 4734701 (VCV004734701.1).